The following is an entry in ClinVar:

NM_001378457.1(DMXL2):c.2778del (p.Ala928fs)

Gene: DMXL2 (Dmx like 2; minus strand). Cytogenetic location: 15q21.2.
Variant type: Deletion.
Coding change: c.2778del on transcript NM_001378457.1 (MANE Select); coding-DNA position 2778, one base deleted (A; older notation c.2778delA).
Protein change: p.Ala928fs; shifts the reading frame from alanine 928.
Molecular consequence: frameshift variant. On other transcripts: non-coding transcript variant (2), intron variant (2).
Genome position (GRCh38, 1-based): chr15:51,503,020, T deleted on the plus strand (A on the coding strand, the reverse complement: DMXL2 is on the minus strand); the first of 2 consecutive T bases (chr15:51,503,020-51,503,021); deleting either gives the same sequence. VCF-style (leftmost placement, unchanged base first): chr15-51503019-CT-C. GRCh37 (hg19) VCF-style: chr15-51795216-CT-C.
Other names: c.2778del, p.Ala928fs (NM_001174116.3, NM_001378458.1, NM_001378459.1 and 4 more transcripts); c.2538del, p.Ala848fs (NM_001378464.1); c.2764+4114del (NM_001378460.1, NM_001174117.3); short protein forms A848fs, A928fs.
Identifiers: ClinVar variation 3650610 (VCV003650610.2).
Genomic context (GRCh38, chr15:51,503,019, plus strand): 5'-CTGGAGAAGAATCTACGTTCTTCTGTCCAGGGACTGAAAGTAGACTCTCAGAGGAAGCCC[CT>C]TCTGAAGCTTTAGCTTTAAAAATAAATTATAAAATTACAAAATGTATGTATATCATTACT-3'

ClinVar aggregate classification (germline): Pathogenic (1 of 4 stars; one submission).

Submission:

Labcorp Genetics (formerly Invitae), Labcorp
Classification: Pathogenic. Last evaluated: 2024-04-22. Review status: criteria provided, single submitter. Criteria: Invitae Variant Classification Sherloc (09022015). Collection method: clinical testing. Allele origin: germline.
Comment: This sequence change creates a premature translational stop signal (p.Ala928Leufs*15) in the DMXL2 gene. It is expected to result in an absent or disrupted protein product. Loss-of-function variants in DMXL2 are known to be pathogenic (PMID: 30237576, 31688942). This variant is not present in population databases (gnomAD no frequency). This variant has not been reported in the literature in individuals affected with DMXL2-related conditions. For these reasons, this variant has been classified as Pathogenic.

Literature cited by the submitters: PubMed 30237576; PubMed 31688942.